The following is an entry in ClinVar:

NM_005751.5(AKAP9):c.4396G>A (p.Gly1466Arg)

Gene: AKAP9 (A-kinase anchoring protein 9; plus strand). Cytogenetic location: 7q21.2.
Variant type: single nucleotide variant.
Coding change: c.4396G>A on transcript NM_005751.5 (MANE Select); coding-DNA position 4396, G replaced by A.
Protein change: p.Gly1466Arg; replaces glycine 1466 with arginine.
Molecular consequence: missense variant.
Genome position (GRCh38, 1-based): chr7:92,038,476, G>A. VCF-style: chr7-92038476-G-A. GRCh37 (hg19) VCF-style: chr7-91667790-G-A.
Other names: c.4396G>A, p.Gly1466Arg (NM_147185.3); short protein forms G1466R.
Identifiers: ClinVar variation 263742 (VCV000263742.12), dbSNP rs376262014, ClinGen allele CA4336574.
Genomic context (GRCh38, chr7:92,038,476, plus strand): 5'-TAGGTTATTGTGTCAATGAGTATAGCATTTGCTCAACAAACTGAACTGTCTAGAATATCT[G>A]GGGGAAAAGAAAATACTGCATCATCAAAGCAAGCACATGCTGTGTGTCAGCAAGAACAAC-3'
Protein context (NP_005742.4, residues 1456-1476): AQQTELSRIS[Gly1466Arg]GKENTASSKQ

ClinVar aggregate classification (germline): Conflicting classifications of pathogenicity. Review status: criteria provided, conflicting classifications (1 of 4 stars). 2 submissions from 2 submitters: Uncertain significance (1); Likely benign (1). Last evaluated 2025-07-10.

Conditions:
Cardiovascular phenotype. Identifiers: MedGen CN230736.
Long QT syndrome (LQTS). Identifiers: MedGen C0023976, MeSH D008133, MONDO:0002442. Disease mechanism: loss of function. Inheritance: Various modes of inheritance.

Allele frequency attached by ClinVar (database versions not stated): gnomAD 0.00001; ESP Exome Variant Server 0.00008; TOPMed 0.00002.
gnomAD v4.1: 19 of 1,613,752 alleles (0.0012%); highest among the groups gnomAD compares: Non-Finnish European, 0.0016%; no homozygotes.

Submissions (2):

Ambry Genetics
Classification: Likely benign for Cardiovascular phenotype. Last evaluated: 2025-07-10. Review status: criteria provided, single submitter. Criteria: Ambry Variant Classification Scheme 2023. Collection method: clinical testing. Allele origin: germline.

Labcorp Genetics (formerly Invitae), Labcorp
Classification: Uncertain significance for Long QT syndrome. Last evaluated: 2024-12-02. Review status: criteria provided, single submitter. Criteria: Invitae Variant Classification Sherloc (09022015). Collection method: clinical testing. Allele origin: germline.
Comment: This sequence change replaces glycine, which is neutral and non-polar, with arginine, which is basic and polar, at codon 1466 of the AKAP9 protein (p.Gly1466Arg). This variant is present in population databases (rs376262014, gnomAD 0.002%). This variant has not been reported in the literature in individuals affected with AKAP9-related conditions. ClinVar contains an entry for this variant (Variation ID: 263742). An algorithm developed to predict the effect of missense changes on protein structure and function outputs the following: PolyPhen-2: "Benign". The arginine amino acid residue is found in multiple mammalian species, which suggests that this missense change does not adversely affect protein function. In summary, the available evidence is currently insufficient to determine the role of this variant in disease. Therefore, it has been classified as a Variant of Uncertain Significance.